The following is an entry in ClinVar:

ClinVar aggregate classification (germline): Likely pathogenic (1 of 4 stars; one submission).

Conditions:
Autosomal recessive limb-girdle muscular dystrophy type 2L (LGMDR12). Also called: MUSCULAR DYSTROPHY, LIMB-GIRDLE, AUTOSOMAL RECESSIVE 12; Limb-girdle muscular dystrophy, type 2L; Limb-Girdle Muscular Dystrophy R12 Anoctamin-5-Related (LGMD-R12). Identifiers: Orphanet 206549, MedGen C1969785, MONDO:0012652, OMIM 611307.
Gnathodiaphyseal dysplasia (GDD). Also called: GNATHODIAPHYSEAL SCLEROSIS; OSTEOGENESIS IMPERFECTA WITH UNUSUAL SKELETAL LESIONS. Identifiers: Orphanet 53697, MedGen C1833736, MONDO:0008151, OMIM 166260.

Submission:

Labcorp Genetics (formerly Invitae), Labcorp
Classification: Likely pathogenic for Limb-girdle muscular dystrophy, type 2L; Gnathodiaphyseal dysplasia. Last evaluated: 2018-01-24. Review status: criteria provided, single submitter. Criteria: Invitae Variant Classification Sherloc (09022015). Collection method: clinical testing. Allele origin: germline.
Comment: This variant is an out-of-frame deletion of the genomic region encompassing exons 19-21 of the ANO5 gene. While this is not anticipated to result in nonsense mediated decay, it is expected to disrupt the last 237 amino acids of the ANO5 protein. This variant has not been reported in the literature in individuals with ANO5-related disease. A different variant in the disrupted region (p.His841Asp) has been determined to be likely pathogenic (PMID: 23606453, 24022920). This suggests that this region is critical for ANO5 protein function and that other variants that disrupt it may also be pathogenic. In summary, the currently available evidence indicates that the variant is pathogenic, but additional data are needed to prove that conclusively. Therefore, this variant has been classified as Likely Pathogenic.

Literature cited by the submitters: PubMed 23606453; PubMed 24022920.

NC_000011.10:g.(?_22272764)_(22276219_?)del

Gene: ANO5 (anoctamin 5; plus strand). Cytogenetic location: 11p14.3.
Variant type: Deletion.
Identifiers: ClinVar variation 583864 (VCV000583864.1).